The following is an entry in ClinVar:

ClinVar aggregate classification (germline): Uncertain significance (1 of 4 stars; one submission).

Conditions:
Multiple congenital exostosis (EXT). Also called: Hereditary multiple osteochondromas; MULTIPLE CARTILAGINOUS EXOSTOSES; Multiple exostoses; Hereditary multiple exostoses; Hereditary multiple exostosis; Multiple osteochondromas. Identifiers: Orphanet 321, MedGen C0015306, MONDO:0005508, HP:0002762.

Submission:

Labcorp Genetics (formerly Invitae), Labcorp
Classification: Uncertain significance for Multiple congenital exostosis. Last evaluated: 2019-10-31. Review status: criteria provided, single submitter. Criteria: Invitae Variant Classification Sherloc (09022015). Collection method: clinical testing. Allele origin: germline.
Comment: This sequence change replaces glutamine with histidine at codon 512 of the EXT1 protein (p.Gln512His). The glutamine residue is highly conserved and there is a small physicochemical difference between glutamine and histidine. This variant also falls at the last nucleotide of exon 6 of the EXT1 coding sequence, which is part of the consensus splice site for this exon. In summary, the available evidence is currently insufficient to determine the role of this variant in disease. Therefore, it has been classified as a Variant of Uncertain Significance. Nucleotide substitutions within the consensus splice site are a relatively common cause of aberrant splicing (PMID: 17576681, 9536098). Algorithms developed to predict the effect of sequence changes on RNA splicing suggest that this variant may disrupt the consensus splice site, but this prediction has not been confirmed by published transcriptional studies. Algorithms developed to predict the effect of missense changes on protein structure and function are either unavailable or do not agree on the potential impact of this missense change (SIFT: "Deleterious"; PolyPhen-2: "Possibly Damaging"; Align-GVGD: "Class C0"). This variant has not been reported in the literature in individuals with EXT1-related conditions. This variant is not present in population databases (ExAC no frequency).

Literature cited by the submitters: PubMed 17576681; PubMed 9536098.

NM_000127.3(EXT1):c.1536G>C (p.Gln512His)

Gene: EXT1 (exostosin glycosyltransferase 1; minus strand). Cytogenetic location: 8q24.11.
Variant type: single nucleotide variant.
Coding change: c.1536G>C on transcript NM_000127.3 (MANE Select); coding-DNA position 1536, G replaced by C.
Protein change: p.Gln512His; replaces glutamine 512 with histidine.
Molecular consequence: missense variant.
Genome position (GRCh38, 1-based): chr8:117,819,676, C>G on the plus strand (G>C on the coding strand, the complement: EXT1 is on the minus strand). VCF-style: chr8-117819676-C-G. GRCh37 (hg19) VCF-style: chr8-118831915-C-G.
Other names: short protein forms Q512H.
Identifiers: ClinVar variation 965247 (VCV000965247.9), dbSNP rs1811889486, ClinGen allele CA371884403.
Genomic context (GRCh38, chr8:117,819,676, plus strand): 5'-GCGGAGTCTCTGGTCTGGAGCTGGAGCAGGCAGGGGCTTCTCTGTCAACTTCCCGCTCAC[C>G]TGGGCACAGTACTGGGACTTGGCTGCAGCCACGAGAAGCTTCAACACTGGCTGGGACTGA-3'
Protein context (NP_000118.2, residues 502-522): VAAAKSQYCA[Gln512His]IIVLWNCDKP